The following is an entry in ClinVar:

ClinVar aggregate classification (germline): Uncertain significance. Review status: criteria provided, multiple submitters, no conflicts (2 of 4 stars). 2 submissions from 2 submitters: Uncertain significance (2). Last evaluated 2024-11-22.

Conditions:
Early-infantile DEE. Also called: Early infantile epileptic encephalopathy; Ohtahara syndrome; Early infantile epileptic encephalopathy with suppression bursts. Identifiers: Orphanet 1934, MedGen C0393706, MONDO:0800491.
Inborn genetic diseases. Identifiers: MedGen C0950123, MeSH D030342.

Submissions (2):

Ambry Genetics
Classification: Uncertain significance for Inborn genetic diseases. Last evaluated: 2024-11-22. Review status: criteria provided, single submitter. Criteria: Ambry Variant Classification Scheme 2023. Collection method: clinical testing. Allele origin: germline.

Labcorp Genetics (formerly Invitae), Labcorp
Classification: Uncertain significance for Early-infantile DEE. Last evaluated: 2023-03-10. Review status: criteria provided, single submitter. Criteria: Invitae Variant Classification Sherloc (09022015). Collection method: clinical testing. Allele origin: germline.
Comment: ClinVar contains an entry for this variant (Variation ID: 1414837). Advanced modeling of protein sequence and biophysical properties (such as structural, functional, and spatial information, amino acid conservation, physicochemical variation, residue mobility, and thermodynamic stability) performed at Invitae indicates that this missense variant is not expected to disrupt SCN8A protein function. In summary, the available evidence is currently insufficient to determine the role of this variant in disease. Therefore, it has been classified as a Variant of Uncertain Significance. This variant has not been reported in the literature in individuals affected with SCN8A-related conditions. This variant is not present in population databases (gnomAD no frequency). This sequence change replaces isoleucine, which is neutral and non-polar, with methionine, which is neutral and non-polar, at codon 565 of the SCN8A protein (p.Ile565Met).

NM_001330260.2(SCN8A):c.1695C>G (p.Ile565Met)

Gene: SCN8A (sodium voltage-gated channel alpha subunit 8; plus strand). Cytogenetic location: 12q13.13.
Variant type: single nucleotide variant.
Coding change: c.1695C>G on transcript NM_001330260.2 (MANE Select); coding-DNA position 1695, C replaced by G.
Protein change: p.Ile565Met; replaces isoleucine 565 with methionine.
Molecular consequence: missense variant.
Genome position (GRCh38, 1-based): chr12:51,721,605, C>G. VCF-style: chr12-51721605-C-G. GRCh37 (hg19) VCF-style: chr12-52115389-C-G.
Other names: c.1695C>G (NM_014191.2); c.1695C>G, p.Ile565Met (NM_001177984.3, NM_001369788.1, NM_014191.4); short protein forms I565M.
Identifiers: ClinVar variation 1414837 (VCV001414837.8), dbSNP rs1239406541, ClinGen allele CA385229387.
Genomic context (GRCh38, chr12:51,721,605, plus strand): 5'-GTCACTGCTCAGCATCCCAGGCTCGCCCTTCCTCTCCCGCCACAACAGCAAGAGCAGCAT[C>G]TTCAGTTTCAGGGGACCTGGGCGGTTCCGAGACCCGGGCTCCGAGAATGAGTTCGCGGAT-3'
Protein context (NP_001317189.1, residues 555-575): FLSRHNSKSS[Ile565Met]FSFRGPGRFR